The following is an entry in ClinVar:

ClinVar aggregate classification (germline): Uncertain significance. Review status: criteria provided, multiple submitters, no conflicts (2 of 4 stars). 8 submissions from 8 submitters: Uncertain significance (7). 1 of the submissions does not count toward it. Last evaluated 2026-07-06.

Conditions:
Cohen syndrome (COH1). Also called: PEPPER SYNDROME; Cutis verticis gyrata, retinitis pigmentosa, and sensorineural deafness. Identifiers: Orphanet 193, MedGen C0265223, MONDO:0008999, OMIM 216550.
VPS13B-related disorder. Also called: VPS13B-related condition.
Inborn genetic diseases. Identifiers: MedGen C0950123, MeSH D030342.

Allele frequency attached by ClinVar (database versions not stated): gnomAD 0.00003; gnomAD exomes 0.00003 and 0.00007; TOPMed 0.00003; ExAC 0.00007; 1000 Genomes Project 30x 0.00016; 1000 Genomes Project 0.00020.
gnomAD v4.1: 49 of 1,614,002 alleles (0.003%); highest among the groups gnomAD compares: East Asian, 0.094%; no homozygotes.

Submissions (8):

PreventionGenetics, part of Exact Sciences
Classification: Uncertain significance for VPS13B-related condition. Last evaluated: 2026-07-06. Review status: criteria provided, single submitter. Criteria: ACMG Guidelines, 2015. Collection method: clinical testing. Allele origin: germline.
Comment: The VPS13B c.3363A>G variant is predicted to result in the amino acid substitution p.Ile1121Met. To our knowledge, this variant has not been reported in the literature. This variant is reported in 0.080% of alleles in individuals of East Asian descent in gnomAD, which may be too frequent to be a primary cause of disease. Although we suspect that this variant may be benign, the clinical significance of this variant is currently classified as uncertain due to the absence of conclusive functional and genetic evidence.

Blueprint Genetics
Classification: Uncertain significance. Last evaluated: 2024-02-14. Review status: criteria provided, single submitter. Criteria: ACMG Guidelines, 2015. Collection method: clinical testing. Allele origin: germline.

Department of Pathology and Laboratory Medicine, Sinai Health System
Classification: Uncertain significance for Cohen syndrome. Last evaluated: 2022-06-28. Review status: criteria provided, single submitter. Criteria: ACMG Guidelines, 2015. Collection method: research. Allele origin: germline.

Labcorp Genetics (formerly Invitae), Labcorp
Classification: Uncertain significance for Cohen syndrome. Last evaluated: 2021-12-22. Review status: criteria provided, single submitter. Criteria: Invitae Variant Classification Sherloc (09022015). Collection method: clinical testing. Allele origin: germline.
Comment: This sequence change replaces isoleucine, which is neutral and non-polar, with methionine, which is neutral and non-polar, at codon 1121 of the VPS13B protein (p.Ile1121Met). This variant is present in population databases (rs191099208, gnomAD 0.08%). This variant has not been reported in the literature in individuals affected with VPS13B-related conditions. ClinVar contains an entry for this variant (Variation ID: 287832). Algorithms developed to predict the effect of missense changes on protein structure and function are either unavailable or do not agree on the potential impact of this missense change (SIFT: "Not Available"; PolyPhen-2: "Probably Damaging"; Align-GVGD: "Not Available"). In summary, the available evidence is currently insufficient to determine the role of this variant in disease. Therefore, it has been classified as a Variant of Uncertain Significance.

Illumina Laboratory Services, Illumina
Classification: Uncertain significance for Cohen syndrome. Last evaluated: 2018-01-13. Review status: criteria provided, single submitter. Criteria: ICSL Variant Classification Criteria 13 December 2019. Collection method: clinical testing. Allele origin: germline.

Eurofins Ntd Llc (ga)
Classification: Uncertain significance. Last evaluated: 2016-05-18. Review status: criteria provided, single submitter. Criteria: EGL Classification Definitions 2015. Collection method: clinical testing. Allele origin: germline. Observed: 1 variant allele, 1 heterozygote.

Ambry Genetics
Classification: Uncertain significance for Inborn genetic diseases. Last evaluated: 2016-04-20. Review status: criteria provided, single submitter. Criteria: Ambry Variant Classification Scheme 2023. Collection method: clinical testing. Allele origin: germline.
Comment: The p.I1121M variant (also known as c.3363A>G), located in coding exon 22 of the VPS13B gene, results from an A to G substitution at nucleotide position 3363. The isoleucine at codon 1121 is replaced by methionine, an amino acid with highly similar properties. This variant was previously reported in the SNPDatabase as rs191099208. Based on data from the 1000 Genomes Project, the G allele has an overall frequency of approximately 0.05% (1/2098) total alleles studied. The highest observed frequency was 0.54% (1/184) Southern Han Chinese alleles. This amino acid position is not well conserved in available vertebrate species. In addition, the in silico prediction for this alteration is inconclusive. Since supporting evidence is limited at this time, the clinical significance of this alteration remains unclear.

Natera, Inc.
Classification: Uncertain significance for Cohen syndrome. Last evaluated: 2020-02-26. Review status: no assertion criteria provided. Collection method: clinical testing. Allele origin: germline. Not counted in ClinVar's aggregate classification.

NM_152564.5(VPS13B):c.3363A>G (p.Ile1121Met)

Gene: VPS13B (vacuolar protein sorting 13 homolog B; plus strand). Cytogenetic location: 8q22.2.
Variant type: single nucleotide variant.
Coding change: c.3363A>G on transcript NM_152564.5 (MANE Select); coding-DNA position 3363, A replaced by G.
Protein change: p.Ile1121Met; replaces isoleucine 1121 with methionine.
Molecular consequence: missense variant.
Genome position (GRCh38, 1-based): chr8:99,442,553, A>G. VCF-style: chr8-99442553-A-G. GRCh37 (hg19) VCF-style: chr8-100454781-A-G.
Other names: c.3363A>G, p.Ile1121Met (NM_017890.5); c.3363A>G (NM_152564.4); short protein forms I1121M.
Identifiers: ClinVar variation 287832 (VCV000287832.19), dbSNP rs191099208, ClinGen allele CA4823232.